The following is an entry in ClinVar:

ClinVar aggregate classification (germline): Pathogenic (1 of 4 stars; one submission).

Conditions:
Developmental and epileptic encephalopathy, 34 (DEE34). Also called: Early infantile epileptic encephalopathy 34; SLC12A5-Related Epilepsy of Infancy with Migrating Focal Seizures. Identifiers: Orphanet 293181, MedGen C4225257, MONDO:0014718, OMIM 616645.

Submission:

Labcorp Genetics (formerly Invitae), Labcorp
Classification: Pathogenic for Developmental and epileptic encephalopathy, 34. Last evaluated: 2018-01-08. Review status: criteria provided, single submitter. Criteria: Invitae Variant Classification Sherloc (09022015). Collection method: clinical testing. Allele origin: germline.
Comment: For these reasons, this variant has been classified as Pathogenic. Loss-of-function variants in SLC12A5 are known to be pathogenic (PMID: 26333769, 27436767). This variant has not been reported in the literature in individuals with SLC12A5-related disease. This variant is not present in population databases (ExAC no frequency). This sequence change creates a premature translational stop signal (p.Val237Alafs*54) in the SLC12A5 gene. It is expected to result in an absent or disrupted protein product.

Literature cited by the submitters: PubMed 26333769; PubMed 27436767.

NM_020708.5(SLC12A5):c.710_711del (p.Val237fs)

Gene: SLC12A5 (solute carrier family 12 member 5; plus strand). Cytogenetic location: 20q13.12.
Variant type: Microsatellite.
Coding change: c.710_711del on transcript NM_020708.5 (MANE Select); coding-DNA positions 710 to 711, 2 bases deleted (TG; older notation c.710_711delTG).
Protein change: p.Val237fs; shifts the reading frame from valine 237.
Molecular consequence: frameshift variant.
Genome position (GRCh38, 1-based): chr20:46,040,470-46,040,471, TG deleted; deleting any 2 consecutive bases within chr20:46,040,466-46,040,471 gives the same sequence; the c. name uses the placement nearest the transcript's 3' end. VCF-style (leftmost placement, unchanged base first): chr20-46040465-CTG-C. GRCh37 (hg19) VCF-style: chr20-44669104-CTG-C.
Other names: c.779_780del, p.Val260fs (NM_001134771.2); short protein forms V237fs, V260fs.
Identifiers: ClinVar variation 542316 (VCV000542316.7), dbSNP rs1555863145, ClinGen allele CA658799367.